The following is an entry in ClinVar:

NC_000001.10:g.(?_155880221)_(156109650_?)del

Genes: ARHGEF2 (Rho/Rac guanine nucleotide exchange factor 2; minus strand), KHDC4 (KH domain containing 4, pre-mRNA splicing factor; minus strand), LAMTOR2 (late endosomal/lysosomal adaptor, MAPK and MTOR activator 2; plus strand), LMNA (lamin A/C; plus strand), MEX3A (mex-3 RNA binding family member A; minus strand) and 5 more. Cytogenetic location: 1q22.
Variant type: Deletion.
Identifiers: ClinVar variation 477767 (VCV000477767.8).

ClinVar aggregate classification (germline): Uncertain significance (1 of 4 stars; one submission).

Conditions:
Noonan syndrome 8 (NS8). Identifiers: Orphanet 648, MedGen C3809233, MONDO:0014143, OMIM 615355.

Submission:

Labcorp Genetics (formerly Invitae), Labcorp
Classification: Uncertain significance for Noonan syndrome 8. Last evaluated: 2017-05-23. Review status: criteria provided, single submitter. Criteria: Invitae Variant Classification Sherloc (09022015). Collection method: clinical testing. Allele origin: germline.
Comment: In summary, this variant has uncertain impact on RIT1 function. The available evidence is currently insufficient to determine its role in disease. Therefore, it has been classified as a Variant of Uncertain Significance. This variant has not been reported in the literature in individuals with a RIT1-related disease. This variant is a gross deletion of the genomic region encompassing exons 1-3 ¬†of the RIT1 gene, which includes the initiator codon. The 5' end of this event is unknown as it extends beyond the assayed region for this gene and therefore may encompass additional genes. The 3' boundary is likely confined to intron 3 of the RIT1 gene. This is expected to result in an absent or disrupted protein product. The current clinical and genetic evidence is not sufficient to establish whether loss-of-function variants in RIT1 cause disease.